The following is an entry in ClinVar:

ClinVar aggregate classification (germline): Uncertain significance. Review status: criteria provided, multiple submitters, no conflicts (2 of 4 stars). 7 submissions from 7 submitters: Uncertain significance (6). 1 of the submissions does not count toward it. Last evaluated 2024-08-09.

Conditions:
Autosomal recessive limb-girdle muscular dystrophy type 2D (LGMDR3). Also called: DUCHENNE-LIKE AUTOSOMAL RECESSIVE MUSCULAR DYSTROPHY, TYPE 2; MUSCULAR DYSTROPHY, LIMB-GIRDLE, AUTOSOMAL RECESSIVE 3; ADHALINOPATHY, PRIMARY. Identifiers: Orphanet 62, MedGen C2936332, MONDO:0011968, OMIM 608099. Disease mechanism: Affects gamma-sarcoglycan and also disrupts the integrity of the entire sarcoglycan complex..

Allele frequency attached by ClinVar (database versions not stated): gnomAD 0.00001 and 0.00003; gnomAD exomes 0.00005 and 0.00009; TOPMed 0.00006; ExAC 0.00013.

Submissions (7):

Mayo Clinic Laboratories, Mayo Clinic
Classification: Uncertain significance. Last evaluated: 2024-08-09. Review status: criteria provided, single submitter. Criteria: ACMG Guidelines, 2015. Collection method: clinical testing. Allele origin: germline. Observed: 1 variant allele.
Comment: PM2

Revvity Omics, Revvity
Classification: Uncertain significance for Autosomal recessive limb-girdle muscular dystrophy type 2D. Last evaluated: 2024-04-19. Review status: criteria provided, single submitter. Criteria: ACMG Guidelines, 2015. Collection method: clinical testing. Allele origin: germline.

Genome-Nilou Lab
Classification: Uncertain significance for Autosomal recessive limb-girdle muscular dystrophy type 2D. Last evaluated: 2023-02-08. Review status: criteria provided, single submitter. Criteria: ACMG Guidelines, 2015. Collection method: clinical testing. Allele origin: germline.

Labcorp Genetics (formerly Invitae), Labcorp
Classification: Uncertain significance for Autosomal recessive limb-girdle muscular dystrophy type 2D. Last evaluated: 2022-07-06. Review status: criteria provided, single submitter. Criteria: Invitae Variant Classification Sherloc (09022015). Collection method: clinical testing. Allele origin: germline.
Comment: This sequence change replaces glycine, which is neutral and non-polar, with arginine, which is basic and polar, at codon 339 of the SGCA protein (p.Gly339Arg). This variant is present in population databases (rs540254057, gnomAD 0.05%). This variant has not been reported in the literature in individuals affected with SGCA-related conditions. ClinVar contains an entry for this variant (Variation ID: 282864). Advanced modeling of protein sequence and biophysical properties (such as structural, functional, and spatial information, amino acid conservation, physicochemical variation, residue mobility, and thermodynamic stability) performed at Invitae indicates that this missense variant is not expected to disrupt SGCA protein function. Algorithms developed to predict the effect of sequence changes on RNA splicing suggest that this variant may create or strengthen a splice site. In summary, the available evidence is currently insufficient to determine the role of this variant in disease. Therefore, it has been classified as a Variant of Uncertain Significance.

Athena Diagnostics
Classification: Uncertain significance. Last evaluated: 2021-06-18. Review status: criteria provided, single submitter. Criteria: Athena Diagnostics Criteria. Collection method: clinical testing. Allele origin: unknown.

Eurofins Ntd Llc (ga)
Classification: Uncertain significance. Last evaluated: 2015-08-25. Review status: criteria provided, single submitter. Criteria: EGL Classification Definitions 2015. Collection method: clinical testing. Allele origin: germline. Observed: 1 variant allele, 1 heterozygote.

Natera, Inc.
Classification: Uncertain significance for Limb-girdle muscular dystrophy type 2D. Last evaluated: 2019-11-11. Review status: no assertion criteria provided. Collection method: clinical testing. Allele origin: germline. Not counted in ClinVar's aggregate classification.

NM_000023.4(SGCA):c.1015G>A (p.Gly339Arg)

Gene: SGCA (sarcoglycan alpha; plus strand). Cytogenetic location: 17q21.33.
Variant type: single nucleotide variant.
Coding change: c.1015G>A on transcript NM_000023.4 (MANE Select); coding-DNA position 1015, G replaced by A.
Protein change: p.Gly339Arg; replaces glycine 339 with arginine.
Molecular consequence: missense variant. On other transcripts: non-coding transcript variant (1).
Genome position (GRCh38, 1-based): chr17:50,175,288, G>A. VCF-style: chr17-50175288-G-A. GRCh37 (hg19) VCF-style: chr17-48252649-G-A.
Other names: p.Gly339Arg; c.1015G>A (NM_000023.3); c.643G>A, p.Gly215Arg (NM_001135697.3); short protein forms G339R, G215R.
Identifiers: ClinVar variation 282864 (VCV000282864.19), dbSNP rs540254057, ClinGen allele CA8644067.